The following is an entry in ClinVar:

ClinVar aggregate classification (germline): Conflicting classifications of pathogenicity. Review status: criteria provided, conflicting classifications (1 of 4 stars). 3 submissions from 3 submitters: Uncertain significance (2); Likely benign (1). Last evaluated 2025-10-09.

Conditions:
Hereditary cancer-predisposing syndrome. Also called: Tumor predisposition; Neoplastic Syndromes, Hereditary; Hereditary neoplastic syndrome; Hereditary Cancer Syndrome. Identifiers: Orphanet 140162, MedGen C0027672, MeSH D009386, MONDO:0015356.
Hereditary breast ovarian cancer syndrome. Also called: Hereditary breast and ovarian cancer; Breast and ovarian cancer; Hereditary breast and/or ovarian cancer syndrome; BRCA1- and BRCA2-Associated Hereditary Breast and Ovarian Cancer; Hereditary breast and ovarian cancer syndrome; Hereditary breast and ovarian cancer syndrome (HBOC). Identifiers: Orphanet 145, MedGen C0677776, MeSH D061325, MONDO:0003582. Disease mechanism: loss of function.

Submissions (3):

Ambry Genetics
Classification: Likely benign for Hereditary cancer-predisposing syndrome. Last evaluated: 2025-10-09. Review status: criteria provided, single submitter. Criteria: Ambry Variant Classification Scheme 2023. Collection method: clinical testing. Allele origin: germline.

Color Diagnostics, LLC DBA Color Health
Classification: Uncertain significance for Hereditary cancer-predisposing syndrome. Last evaluated: 2024-12-10. Review status: criteria provided, single submitter. Criteria: ACMG Guidelines, 2015. Collection method: clinical testing. Allele origin: germline.
Comment: This missense variant replaces aspartic acid with tyrosine at codon 254 of the RAD51C protein. Computational prediction suggests that this variant may not impact protein structure and function (internally defined REVEL score threshold <= 0.5, PMID: 27666373). To our knowledge, functional studies have not been reported for this variant. This variant has not been reported in individuals affected with RAD51C-related disorders in the literature. This variant has not been identified in the general population by the Genome Aggregation Database (gnomAD). The available evidence is insufficient to determine the role of this variant in disease conclusively. Therefore, this variant is classified as a Variant of Uncertain Significance.

Mendelics
Classification: Uncertain significance for Hereditary breast and ovarian cancer syndrome. Last evaluated: 2018-07-02. Review status: criteria provided, single submitter. Criteria: Mendelics Assertion Criteria 2017. Collection method: clinical testing. Allele origin: unknown.

NM_058216.3(RAD51C):c.760G>T (p.Asp254Tyr)

Gene: RAD51C (RAD51 paralog C; plus strand). Cytogenetic location: 17q22.
Variant type: single nucleotide variant.
Coding change: c.760G>T on transcript NM_058216.3 (MANE Select); coding-DNA position 760, G replaced by T.
Protein change: p.Asp254Tyr; replaces aspartic acid 254 with tyrosine.
Molecular consequence: missense variant. On other transcripts: non-coding transcript variant (1).
Genome position (GRCh38, 1-based): chr17:58,709,913, G>T. VCF-style: chr17-58709913-G-T. GRCh37 (hg19) VCF-style: chr17-56787274-G-T.
Other names: short protein forms D254Y.
Identifiers: ClinVar variation 584959 (VCV000584959.6), dbSNP rs1567799662, ClinGen allele CA400353685.
Genomic context (GRCh38, chr17:58,709,913, plus strand): 5'-ATTTAGGTTCGACTAGTGATAGTGGATGGTATTGCTTTTCCATTTCGTCATGACCTAGAT[G>T]ACCTGTCTCTTCGTACTCGGTTATTAAATGGCCTAGCCCAGCAAATGATCAGCCTTGCAA-3'
Protein context (NP_478123.1, residues 244-264): IAFPFRHDLD[Asp254Tyr]LSLRTRLLNG